The following is an entry in ClinVar:

NM_021625.5(TRPV4):c.2513C>T (p.Pro838Leu)

Gene: TRPV4 (transient receptor potential cation channel subfamily V member 4; minus strand). Cytogenetic location: 12q24.11.
Variant type: single nucleotide variant.
Coding change: c.2513C>T on transcript NM_021625.5 (MANE Select); coding-DNA position 2513, C replaced by T.
Protein change: p.Pro838Leu; replaces proline 838 with leucine.
Molecular consequence: missense variant.
Genome position (GRCh38, 1-based): chr12:109,783,724, G>A on the plus strand (C>T on the coding strand, the complement: TRPV4 is on the minus strand). VCF-style: chr12-109783724-G-A. GRCh37 (hg19) VCF-style: chr12-110221529-G-A.
Other names: c.2372C>T, p.Pro791Leu (NM_001177428.2); c.2411C>T, p.Pro804Leu (NM_001177431.2); c.2192C>T, p.Pro731Leu (NM_001177433.2); c.2333C>T, p.Pro778Leu (NM_147204.3); short protein forms P838L, P804L, P778L, P731L, P791L.
Identifiers: ClinVar variation 246488 (VCV000246488.17), dbSNP rs140602150, ClinGen allele CA6779870.
Genomic context (GRCh38, chr12:109,783,724, plus strand): 5'-TGCTGGTGGCCATCGCAGCGGGGGTTCCCCATGCTGTCCAGAGGCACCACCACCTCGTCC[G>A]GGTTCGAGTTCTTGTTCAGTTCCACCACGCGGGGTACCACCGAGGACCAGCGATCTGCAC-3'
Protein context (NP_067638.3, residues 828-848): RVVELNKNSN[Pro838Leu]DEVVVPLDSM

ClinVar aggregate classification (germline): Conflicting classifications of pathogenicity. Review status: criteria provided, conflicting classifications (1 of 4 stars). 4 submissions from 4 submitters: Uncertain significance (3); Likely benign (1). Last evaluated 2026-01-04.

Conditions:
Inborn genetic diseases. Identifiers: MedGen C0950123, MeSH D030342.
Distal myopathy. Identifiers: Orphanet 599, MedGen C0751336, MONDO:0018949.
Charcot-Marie-Tooth disease axonal type 2C (HMSN2C). Also called: Charcot-Marie-Tooth Disease Type 2, TRPV4-Related (CMT2C); CHARCOT-MARIE-TOOTH DISEASE, AXONAL, AUTOSOMAL DOMINANT, TYPE 2C; Charcot-Marie-Tooth Neuropathy Type 2C. Identifiers: Orphanet 99937, MedGen C1853710, MONDO:0011633, OMIM 606071.

Allele frequency attached by ClinVar (database versions not stated): gnomAD exomes 0.00005 and 0.00002; TOPMed 0.00006; ESP Exome Variant Server 0.00008; 1000 Genomes Project 0.00020; 1000 Genomes Project 30x 0.00047; gnomAD 0.00003 and 0.00004; ExAC 0.00004.

Submissions (4):

Labcorp Genetics (formerly Invitae), Labcorp
Classification: Uncertain significance for Charcot-Marie-Tooth disease axonal type 2C. Last evaluated: 2026-01-04. Review status: criteria provided, single submitter. Criteria: Invitae Variant Classification Sherloc (09022015). Collection method: clinical testing. Allele origin: germline.
Comment: This sequence change replaces proline, which is neutral and non-polar, with leucine, which is neutral and non-polar, at codon 838 of the TRPV4 protein (p.Pro838Leu). This variant is present in population databases (rs140602150, gnomAD 0.01%). This missense change has been observed in individual(s) with clinical features of TRPV4-related conditions (internal data). ClinVar contains an entry for this variant (Variation ID: 246488). Invitae Evidence Modeling of protein sequence and biophysical properties (such as structural, functional, and spatial information, amino acid conservation, physicochemical variation, residue mobility, and thermodynamic stability) indicates that this missense variant is not expected to disrupt TRPV4 protein function with a negative predictive value of 95%. In summary, the available evidence is currently insufficient to determine the role of this variant in disease. Therefore, it has been classified as a Variant of Uncertain Significance.

GeneDx
Classification: Uncertain significance. Last evaluated: 2025-11-21. Review status: criteria provided, single submitter. Criteria: GeneDx Variant Classification Process June 2021. Collection method: clinical testing. Allele origin: germline. Affected: yes.
Comment: In silico analysis supports that this missense variant has a deleterious effect on protein structure/function; Has not been previously published as pathogenic or benign to our knowledge; This variant is associated with the following publications: (PMID: 41169655)

Ambry Genetics
Classification: Likely benign for Inborn genetic diseases. Last evaluated: 2025-06-12. Review status: criteria provided, single submitter. Criteria: Ambry Variant Classification Scheme 2023. Collection method: clinical testing. Allele origin: germline.

Cambridge Genomics Laboratory, East Genomic Laboratory Hub, NHS Genomic Medicine Service
Classification: Uncertain significance for Distal myopathy. Last evaluated: 2020-05-14. Review status: criteria provided, single submitter. Criteria: ACGS Best Practice Guidelines for Variant Classification in Rare Disease 2020. Collection method: clinical testing. Allele origin: germline. Affected: yes. Observed: 1 variant allele.